The following is an entry in ClinVar:

ClinVar aggregate classification (germline): Likely benign (1 of 4 stars; one submission).

Submission:

CeGaT Center for Human Genetics Tuebingen
Classification: Likely benign. Last evaluated: 2023-04-01. Review status: criteria provided, single submitter. Criteria: CeGaT Center For Human Genetics Tuebingen Variant Classification Criteria Version 2. Collection method: clinical testing. Allele origin: germline. Affected: yes. Observed: 1 variant allele.
Comment: KIAA1549: PM2:Supporting, BP4, BP7

NM_001164665.2(KIAA1549):c.1503A>C (p.Ser501=)

Gene: KIAA1549 (KIAA1549; minus strand). Cytogenetic location: 7q34.
Variant type: single nucleotide variant.
Coding change: c.1503A>C on transcript NM_001164665.2 (MANE Select); coding-DNA position 1503, A replaced by C.
Protein change: p.Ser501=; no amino-acid change (serine 501 retained).
Molecular consequence: synonymous variant.
Genome position (GRCh38, 1-based): chr7:138,918,123, T>G on the plus strand (A>C on the coding strand, the complement: KIAA1549 is on the minus strand). VCF-style: chr7-138918123-T-G. GRCh37 (hg19) VCF-style: chr7-138602869-T-G.
Other names: c.1503A>C, p.Ser501= (NM_020910.3).
Identifiers: ClinVar variation 2658012 (VCV002658012.24), dbSNP rs1812407053, ClinGen allele CA458151513.